The following is an entry in ClinVar:

NM_013261.5(PPARGC1A):c.2375C>A (p.Ala792Asp)

Gene: PPARGC1A (PPARG coactivator 1 alpha; minus strand). Cytogenetic location: 4p15.2.
Variant type: single nucleotide variant.
Coding change: c.2375C>A on transcript NM_013261.5 (MANE Select); coding-DNA position 2375, C replaced by A.
Protein change: p.Ala792Asp; replaces alanine 792 with aspartic acid.
Molecular consequence: missense variant. On other transcripts: non-coding transcript variant (7).
Genome position (GRCh38, 1-based): chr4:23,795,844, G>T on the plus strand (C>A on the coding strand, the complement: PPARGC1A is on the minus strand). VCF-style: chr4-23795844-G-T. GRCh37 (hg19) VCF-style: chr4-23797467-G-T.
Other names: c.2390C>A, p.Ala797Asp (NM_001330751.2, NM_001354825.2); c.2339C>A, p.Ala780Asp (NM_001330752.2); c.1994C>A, p.Ala665Asp (NM_001330753.2, NM_001354826.2); c.2384C>A, p.Ala795Asp (NM_001354827.2); short protein forms A665D, A792D, A795D, A797D, A780D.
Identifiers: ClinVar variation 931520 (VCV000931520.3), dbSNP rs1717494322, ClinGen allele CA356516177.
Genomic context (GRCh38, chr4:23,795,844, plus strand): 5'-ATTCGCCATCCCTCTGTCATCCTCAGCTAGGGAACATGTTACCTGCGCAAGCTTCTCTGA[G>T]CTTCTTTCAGTAAACTATCAAAATCCAGAGAGTCATACTTGCTCTTGGTGGAAGCAGGGT-3'
Protein context (NP_037393.1, residues 782-798): SLDFDSLLKE[Ala792Asp]QRSLRR

ClinVar aggregate classification (germline): Uncertain significance (1 of 4 stars; one submission).

Submission:

Centre for Mendelian Genomics, University Medical Centre Ljubljana
Classification: Uncertain significance. Last evaluated: 2019-11-11. Review status: criteria provided, single submitter. Criteria: ACMG Guidelines, 2015. Collection method: clinical testing. Allele origin: unknown. Affected: yes.
Comment: This variant was classified as: Uncertain significance. The available evidence on this variant's pathogenicity is insufficient or conflicting. The following ACMG criteria were applied in classifying this variant: PM2,PP3.